The following is an entry in ClinVar:

NM_000292.3(PHKA2):c.1492C>A (p.Pro498Thr)

Gene: PHKA2 (phosphorylase kinase regulatory subunit alpha 2; minus strand). Cytogenetic location: Xp22.13.
Variant type: single nucleotide variant.
Coding change: c.1492C>A on transcript NM_000292.3 (MANE Select); coding-DNA position 1492, C replaced by A.
Protein change: p.Pro498Thr; replaces proline 498 with threonine.
Molecular consequence: missense variant.
Genome position (GRCh38, 1-based): chrX:18,925,745, G>T on the plus strand (C>A on the coding strand, the complement: PHKA2 is on the minus strand). VCF-style: chrX-18925745-G-T. GRCh37 (hg19) VCF-style: chrX-18943863-G-T.
Other names: short protein forms P498T.
Identifiers: ClinVar variation 2163038 (VCV002163038.4), dbSNP rs1164971047, ClinGen allele CA412392100.

ClinVar aggregate classification (germline): Uncertain significance (1 of 4 stars; one submission).

Conditions:
Glycogen storage disease IXa1. Also called: GLYCOGEN STORAGE DISEASE VIII; GSD VIII; Glycogen storage disease 8; LIVER GLYCOGENOSIS, X-LINKED, TYPE I. Identifiers: Orphanet 264580, MedGen C3694531, MONDO:0010598, OMIM 306000.

Allele frequency attached by ClinVar (database versions not stated): gnomAD 0.00001.
gnomAD v4.1: 2 of 1,191,442 alleles (0.00017%); highest among the groups gnomAD compares: African/African-American, 0.0035%; no homozygotes.

Submission:

Labcorp Genetics (formerly Invitae), Labcorp
Classification: Uncertain significance for Glycogen storage disease IXa1. Last evaluated: 2024-02-24. Review status: criteria provided, single submitter. Criteria: Invitae Variant Classification Sherloc (09022015). Collection method: clinical testing. Allele origin: germline.
Comment: This sequence change replaces proline, which is neutral and non-polar, with threonine, which is neutral and polar, at codon 498 of the PHKA2 protein (p.Pro498Thr). This variant is present in population databases (no rsID available, gnomAD 0.03%), and has an allele count higher than expected for a pathogenic variant. This variant has not been reported in the literature in individuals affected with PHKA2-related conditions. ClinVar contains an entry for this variant (Variation ID: 2163038). Advanced modeling of protein sequence and biophysical properties (such as structural, functional, and spatial information, amino acid conservation, physicochemical variation, residue mobility, and thermodynamic stability) has been performed at Invitae for this missense variant, however the output from this modeling did not meet the statistical confidence thresholds required to predict the impact of this variant on PHKA2 protein function. In summary, the available evidence is currently insufficient to determine the role of this variant in disease. Therefore, it has been classified as a Variant of Uncertain Significance.